The following is an entry in ClinVar:

ClinVar aggregate classification (germline): Pathogenic (1 of 4 stars; one submission).

Submission:

Mayo Clinic Laboratories, Mayo Clinic
Classification: Pathogenic. Last evaluated: 2019-11-04. Review status: criteria provided, single submitter. Criteria: ACMG Guidelines, 2015. Collection method: clinical testing. Allele origin: germline. Observed: 1 variant allele.
Comment: PVS1, PM2, PM3_supporting

NM_000051.4(ATM):c.6452+1G>C

Genes: ATM (ATM serine/threonine kinase; plus strand), C11orf65 (chromosome 11 open reading frame 65; minus strand). Cytogenetic location: 11q22.3.
Variant type: single nucleotide variant.
Coding change: c.6452+1G>C on transcript NM_000051.4 (MANE Select); the canonical splice donor site of the intron after coding-DNA position 6452, G replaced by C.
Molecular consequence: splice donor variant. On other transcripts: intron variant (2).
Genome position (GRCh38, 1-based): chr11:108,320,059, G>C. VCF-style: chr11-108320059-G-C. GRCh37 (hg19) VCF-style: chr11-108190786-G-C.
Other names: c.641-10988C>G (NM_001330368.2); c.*39-10988C>G (NM_001351110.2); c.6452+1G>C (NM_001351834.2).
Identifiers: ClinVar variation 1163050 (VCV001163050.7), dbSNP rs1565509194, ClinGen allele CA382553685.